The following is an entry in ClinVar:

ClinVar aggregate classification (germline): Uncertain significance (1 of 4 stars; one submission).

Conditions:
SYNE1-related disorder. Also called: SYNE1-related disease; SYNE1-related condition; SYNE1-related disorders.

Submission:

PreventionGenetics, part of Exact Sciences
Classification: Uncertain significance for SYNE1-related condition. Last evaluated: 2023-03-10. Review status: criteria provided, single submitter. Criteria: ACMG Guidelines, 2015. Collection method: clinical testing. Allele origin: germline.
Comment: The SYNE1 c.22657A>T variant is predicted to result in the amino acid substitution p.Thr7553Ser. To our knowledge, this variant has not been reported in the literature or in a large population database, indicating this variant is rare. At this time, the clinical significance of this variant is uncertain due to the absence of conclusive functional and genetic evidence.

NM_182961.4(SYNE1):c.22870A>T (p.Thr7624Ser)

Gene: SYNE1 (spectrin repeat containing nuclear envelope protein 1; minus strand). Cytogenetic location: 6q25.2.
Variant type: single nucleotide variant.
Coding change: c.22870A>T on transcript NM_182961.4 (MANE Select); coding-DNA position 22870, A replaced by T.
Protein change: p.Thr7624Ser; replaces threonine 7624 with serine.
Molecular consequence: missense variant.
Genome position (GRCh38, 1-based): chr6:152,206,317, T>A on the plus strand (A>T on the coding strand, the complement: SYNE1 is on the minus strand). VCF-style: chr6-152206317-T-A. GRCh37 (hg19) VCF-style: chr6-152527452-T-A.
Other names: c.22657A>T, p.Thr7553Ser (NM_033071.5); short protein forms T7553S, T7624S.
Identifiers: ClinVar variation 2635643 (VCV002635643.1), dbSNP rs1444595059, ClinGen allele CA366095169.
Genomic context (GRCh38, chr6:152,206,317, plus strand): 5'-GCAAGGCGGCCTCAGCGCCACTGTCCGCCGAGAGAAGGAGTTGCTTGCCAGCCTCCACAG[T>A]CAGGATGTAGCTGCCTTGTTGCCGCAGAAACACTTTTTCTTTGAACTGAAAGGAACCATA-3'
Protein context (NP_892006.3, residues 7614-7634): FLRQQGSYIL[Thr7624Ser]VEAGKQLLLS